The following is an entry in ClinVar:

ClinVar aggregate classification (germline): Pathogenic. Review status: criteria provided, multiple submitters, no conflicts (2 of 4 stars). 2 submissions from 2 submitters: Pathogenic (2). Last evaluated 2026-10-14.

Conditions:
Juvenile onset Parkinson disease 19A. Also called: PARK19; DNAJC6 Parkinson Disease. Identifiers: Orphanet 391411, MedGen C3809811, MONDO:0014231, OMIM 615528.
DNAJC6-related disorder. Also called: DNAJC6-related condition; DNAJC6-Related Disorders.

Submissions (2):

Department of Pathophysiology, School of Medicine, St. George's University
Classification: Pathogenic for Juvenile onset Parkinson disease 19A. Last evaluated: 2026-10-14. Review status: criteria provided, single submitter. Criteria: ACMG Guidelines, 2015. Collection method: curation. Allele origin: germline. Inheritance: Autosomal recessive inheritance. Affected: yes. Observed: 1 variant allele, 1 homozygote.
Comment: Classification of NM_001256864.2:c.1480del (p.Glu494ArgfsTer12) in DNAJC6 under the 2015 ACMG/AMP guidelines. PVS1 (Very Strong). The variant is a single-nucleotide frameshift deletion in the coding sequence of DNAJC6 that shifts the reading frame from codon 494 and introduces a premature termination codon twelve codons downstream, well upstream of the last 50 nucleotides of the penultimate exon. The transcript is therefore predicted to undergo nonsense-mediated decay; any escaped product would be a severely truncated protein lacking the C-terminal DnaJ domain essential for Hsc70 recruitment and clathrin disassembly at the synaptic terminal, i.e. loss of the catalytic auxilin activity. Loss of function is a well-established mechanism of DNAJC6-related disease, with multiple pathogenic null alleles (nonsense and frameshift) previously reported in affected individuals with autosomal recessive juvenile parkinsonism, including variants downstream of this position. PM2_supporting. PP4. The proband’s clinical phenotype is highly specific for DNAJC6-related juvenile parkinsonism (Parkinson disease 19, OMIM 615528): early-childhood symptom onset, generalised parkinsonism with dystonia and oculogyric crises, cognitive involvement, autosomal recessive inheritance in a consanguineous pedigree, and normal structural neuroimaging. Alternative aetiologies — including Wilson disease, Charcot-Marie-Tooth disease, Rett syndrome, subacute sclerosing panencephalitis, neurodegeneration with brain iron accumulation and autoimmune encephalitis — were systematically excluded through a comprehensive diagnostic workup. Combined evidence: PVS1 + PM2_supporting + PP4. Final classification: Pathogenic.

3billion
Classification: Pathogenic for DNAJC6-related disorder. Last evaluated: 2025-12-29. Review status: criteria provided, single submitter. Criteria: ACMG Guidelines, 2015. Collection method: clinical testing. Allele origin: germline. Affected: yes.
Comment: The variant is not observed in the gnomAD v4.1.0 dataset. Predicted Consequence/Location: Frameshift: predicted to result in a loss or disruption of normal protein function through nonsense-mediated decay (NMD) or protein truncation. Multiple pathogenic variants are reported downstream of the variant. Therefore, this variant is classified as Pathogenic according to the recommendation of ACMG/AMP guideline.

Literature cited by the submitters: DOI 10.1186/s13256-026-06351-x (cited by Department of Pathophysiology, School of Medicine, St. George's University).

NM_001256864.2(DNAJC6):c.1480del (p.Glu494fs)

Gene: DNAJC6 (DnaJ heat shock protein family (Hsp40) member C6; plus strand). Cytogenetic location: 1p31.3.
Variant type: Deletion.
Coding change: c.1480del on transcript NM_001256864.2 (MANE Select); coding-DNA position 1480, one base deleted (G; older notation c.1480delG).
Protein change: p.Glu494fs; shifts the reading frame from glutamic acid 494.
Molecular consequence: frameshift variant.
Genome position (GRCh38, 1-based): chr1:65,392,442, G deleted; the last of 2 consecutive G bases (chr1:65,392,441-65,392,442); deleting either gives the same sequence. VCF-style (leftmost placement, unchanged base first): chr1-65392440-CG-C. GRCh37 (hg19) VCF-style: chr1-65858123-CG-C.
Other names: NP_001243793.1:p.Glu494ArgfsTer12; c.1270del, p.Glu424fs (NM_001256865.2); c.1309del, p.Glu437fs (NM_014787.4); short protein forms E424fs, E437fs, E494fs.
Identifiers: ClinVar variation 4856191 (VCV004856191.2).
Genomic context (GRCh38, chr1:65,392,440, plus strand): 5'-ACAATGCTGTGGTCAGCAACTAATCTCTTATGGTATACTGGCCTTCCTCAGATCAGAAAT[CG>C]GAGAAGTCATTCTGTGAGGAGGACCACGCTGCCCTAGTGAATCAGGAAAGTGAGCAATCA-3'